The following is an entry in ClinVar:

NM_001164508.2(NEB):c.10715A>G (p.Tyr3572Cys)

Gene: NEB (nebulin; minus strand). Cytogenetic location: 2q23.3.
Variant type: single nucleotide variant.
Coding change: c.10715A>G on transcript NM_001164508.2 (MANE Select); coding-DNA position 10715, A replaced by G.
Protein change: p.Tyr3572Cys; replaces tyrosine 3572 with cysteine.
Molecular consequence: missense variant.
Genome position (GRCh38, 1-based): chr2:151,619,608, T>C on the plus strand (A>G on the coding strand, the complement: NEB is on the minus strand). VCF-style: chr2-151619608-T-C. GRCh37 (hg19) VCF-style: chr2-152476122-T-C.
Other names: c.10715A>G, p.Tyr3572Cys (NM_001164507.2, NM_001271208.2); c.9986A>G, p.Tyr3329Cys (NM_004543.5); short protein forms Y3329C, Y3572C.
Identifiers: ClinVar variation 5020894 (VCV005020894.1).
Genomic context (GRCh38, chr2:151,619,608, plus strand): 5'-CTGACCAAGGTCTGACACTTCTTGGCCAAAACGATACCAAGCATGTCCACTGGGCTGCTG[T>C]ACCTTGTCTTGTATTTCTCAAAATCTTTCTTGTACTCACGGTCACTCTGCACTTTGGCAA-3'
Protein context (NP_001157980.2, residues 3562-3582): KKDFEKYKTR[Tyr3572Cys]SSPVDMLGIV

ClinVar aggregate classification (germline): Uncertain significance (1 of 4 stars; one submission).

Submission:

Dasa
Classification: Uncertain significance. Last evaluated: 2025-08-09. Review status: criteria provided, single submitter. Criteria: DASA Assertion Criteria. Collection method: clinical testing. Allele origin: germline.
Comment: NM_001164508.2(NEB):c.10715A>G (p.Tyr3572Cys) is a missense variant that results in the substitution of tyrosine with cysteine. This variant is absent from population databases. The currently available literature and clinical evidence are not sufficient to establish a definitive association between this variant and the reported condition. Therefore, this variant is classified as a variant of uncertain significance.